The following is an entry in ClinVar:

NM_020884.7(MYH7B):c.5826_*2dup (p.Ter1942=)

Gene: MYH7B (myosin heavy chain 7B; plus strand). Cytogenetic location: 20q11.22.
Variant type: Duplication.
Coding change: c.5826_*2dup on transcript NM_020884.7 (MANE Select); coding-DNA position 5826 through 2 bases downstream of the stop codon, 3 bases duplicated (ACG; older notation c.5826_*2dupACG).
Protein change: p.Ter1942=.
Molecular consequence: no sequence alteration.
Genome position (GRCh38, 1-based): chr20:35,002,188-35,002,190, ACG duplicated; duplicating any 3 consecutive bases within chr20:35,002,187-35,002,190 gives the same sequence; the c. name uses the placement nearest the transcript's 3' end. VCF-style (leftmost placement, unchanged base first): chr20-35002186-T-TGAC. GRCh37 (hg19) VCF-style: chr20-33589989-T-TGAC.
Identifiers: ClinVar variation 4713961 (VCV004713961.1).

ClinVar aggregate classification (germline): Uncertain significance (1 of 4 stars; one submission).

Submission:

Labcorp Genetics (formerly Invitae), Labcorp
Classification: Uncertain significance. Last evaluated: 2025-02-27. Review status: criteria provided, single submitter. Criteria: Invitae Variant Classification Sherloc (09022015). Collection method: clinical testing. Allele origin: germline.
Comment: This variant occurs in a non-coding region of the MYH7B gene. It does not change the encoded amino acid sequence of the MYH7B protein. This variant is not present in population databases (gnomAD no frequency). This variant has not been reported in the literature in individuals affected with MYH7B-related conditions. Experimental studies and prediction algorithms are not available or were not evaluated, and the functional significance of this variant is currently unknown. In summary, the available evidence is currently insufficient to determine the role of this variant in disease. Therefore, it has been classified as a Variant of Uncertain Significance.